The following is an entry in ClinVar:

ClinVar aggregate classification (germline): Uncertain significance. Review status: criteria provided, multiple submitters, no conflicts (2 of 4 stars). 3 submissions from 3 submitters: Uncertain significance (3). Last evaluated 2025-10-07.

Allele frequency attached by ClinVar (database versions not stated): gnomAD exomes below 0.00001.
gnomAD v4.1: 5 of 1,613,960 alleles (0.00031%); highest among the groups gnomAD compares: Non-Finnish European, 0.00042%; no homozygotes.

Submissions (3):

Ambry Genetics
Classification: Uncertain significance. Last evaluated: 2025-10-07. Review status: criteria provided, single submitter. Criteria: Ambry Variant Classification Scheme 2023. Collection method: clinical testing. Allele origin: germline.

Labcorp Genetics (formerly Invitae), Labcorp
Classification: Uncertain significance. Last evaluated: 2021-12-03. Review status: criteria provided, single submitter. Criteria: Invitae Variant Classification Sherloc (09022015). Collection method: clinical testing. Allele origin: germline.
Comment: In summary, the available evidence is currently insufficient to determine the role of this variant in disease. Therefore, it has been classified as a Variant of Uncertain Significance. Algorithms developed to predict the effect of missense changes on protein structure and function output the following: SIFT: "Tolerated"; PolyPhen-2: "Benign"; Align-GVGD: "Class C0". The arginine amino acid residue is found in multiple mammalian species, which suggests that this missense change does not adversely affect protein function. This variant has not been reported in the literature in individuals affected with IMPG1-related conditions. This variant is not present in population databases (gnomAD no frequency). This sequence change replaces serine, which is neutral and polar, with arginine, which is basic and polar, at codon 484 of the IMPG1 protein (p.Ser484Arg).

Blueprint Genetics
Classification: Uncertain significance. Last evaluated: 2018-03-19. Review status: criteria provided, single submitter. Criteria: ACMG Guidelines, 2015. Collection method: clinical testing. Allele origin: germline.

NM_001563.4(IMPG1):c.1452T>G (p.Ser484Arg)

Gene: IMPG1 (interphotoreceptor matrix proteoglycan 1; minus strand). Cytogenetic location: 6q14.1.
Variant type: single nucleotide variant.
Coding change: c.1452T>G on transcript NM_001563.4 (MANE Select); coding-DNA position 1452, T replaced by G.
Protein change: p.Ser484Arg; replaces serine 484 with arginine.
Molecular consequence: missense variant.
Genome position (GRCh38, 1-based): chr6:75,950,934, A>C on the plus strand (T>G on the coding strand, the complement: IMPG1 is on the minus strand). VCF-style: chr6-75950934-A-C. GRCh37 (hg19) VCF-style: chr6-76660651-A-C.
Other names: c.1218T>G, p.Ser406Arg (NM_001282368.2); c.1452T>G (NM_001563.2); short protein forms S484R, S406R.
Identifiers: ClinVar variation 1425347 (VCV001425347.8), dbSNP rs1782019558, ClinGen allele CA364777942.